The following is an entry in ClinVar:

ClinVar aggregate classification (germline): Pathogenic (1 of 4 stars; one submission).

Conditions:
COG7 congenital disorder of glycosylation (CDG2E). Also called: CONGENITAL DISORDER OF GLYCOSYLATION, TYPE IIe; CDG IIe. Identifiers: Orphanet 79333, MedGen C2931010, MONDO:0012118, OMIM 608779.

Submission:

Labcorp Genetics (formerly Invitae), Labcorp
Classification: Pathogenic for COG7 congenital disorder of glycosylation. Last evaluated: 2023-09-08. Review status: criteria provided, single submitter. Criteria: Invitae Variant Classification Sherloc (09022015). Collection method: clinical testing. Allele origin: unknown.
Comment: This variant is a gross deletion of the genomic region encompassing exon(s) 12 of the COG7 gene. This deletion is out-of-frame, and is expected to create a premature termination codon and result in an absent or disrupted protein product. Loss-of-function variants in COG7 are known to be pathogenic (PMID: 21811164). This variant has not been reported in the literature in individuals affected with COG7-related conditions. For these reasons, this variant has been classified as Pathogenic.

Literature cited by the submitters: PubMed 21811164.

NC_000016.9:g.(?_23417377)_(23417603_?)del

Gene: COG7 (component of oligomeric golgi complex 7; minus strand). Cytogenetic location: 16p12.2.
Variant type: Deletion.
Identifiers: ClinVar variation 3243501 (VCV003243501.1).